The following is an entry in ClinVar:

NM_006648.4(WNK2):c.1862G>A (p.Gly621Asp)

Gene: WNK2 (WNK lysine deficient protein kinase 2; plus strand). Cytogenetic location: 9q22.31.
Variant type: single nucleotide variant.
Coding change: c.1862G>A on transcript NM_006648.4 (MANE Select); coding-DNA position 1862, G replaced by A.
Protein change: p.Gly621Asp; replaces glycine 621 with aspartic acid.
Molecular consequence: missense variant.
Genome position (GRCh38, 1-based): chr9:93,252,910, G>A. VCF-style: chr9-93252910-G-A. GRCh37 (hg19) VCF-style: chr9-96015192-G-A.
Other names: c.1862G>A, p.Gly621Asp (NM_001282394.3); short protein forms G621D.
Identifiers: ClinVar variation 3981769 (VCV003981769.1).
Genomic context (GRCh38, chr9:93,252,910, plus strand): 5'-GTCCACTCTAAGTCCTGCTTTTGTCCTCCCCAGCGGACAGCACCTTCGACAGCGGCCAGG[G>A]CTCTACCGTGTACTCAGACTCGCAGAGCAGCCAGCAGAGCGTGATGCTTGGCTCCCTTGC-3'
Protein context (NP_006639.3, residues 611-631): ASDSTFDSGQ[Gly621Asp]STVYSDSQSS

ClinVar aggregate classification (germline): Uncertain significance (1 of 4 stars; one submission).

gnomAD v4.1: 2 of 1,550,736 alleles (0.00013%); highest among the groups gnomAD compares: Non-Finnish European, 0.00017%; no homozygotes.

Submission:

Ambry Genetics
Classification: Uncertain significance. Last evaluated: 2025-03-31. Review status: criteria provided, single submitter. Criteria: Ambry Variant Classification Scheme 2023. Collection method: clinical testing. Allele origin: germline.
Comment: The p.G621D variant (also known as c.1862G>A), located in coding exon 8 of the WNK2 gene, results from a G to A substitution at nucleotide position 1862. The glycine at codon 621 is replaced by aspartic acid, an amino acid with similar properties. This amino acid position is conserved. In addition, this alteration is predicted to be deleterious by in silico analysis. Based on the available evidence, the clinical significance of this variant remains unclear.